The following is an entry in ClinVar:

NM_001363711.2(DUOX2):c.1030G>T (p.Val344Phe)

Gene: DUOX2 (dual oxidase 2; minus strand). Cytogenetic location: 15q21.1.
Variant type: single nucleotide variant.
Coding change: c.1030G>T on transcript NM_001363711.2 (MANE Select); coding-DNA position 1030, G replaced by T.
Protein change: p.Val344Phe; replaces valine 344 with phenylalanine.
Molecular consequence: missense variant.
Genome position (GRCh38, 1-based): chr15:45,110,438, C>A on the plus strand (G>T on the coding strand, the complement: DUOX2 is on the minus strand). VCF-style: chr15-45110438-C-A. GRCh37 (hg19) VCF-style: chr15-45402636-C-A.
Other names: c.1030G>T, p.Val344Phe (NM_014080.5); short protein forms V344F.
Identifiers: ClinVar variation 1717477 (VCV001717477.5), dbSNP rs2504780218, ClinGen allele CA392278015.
Genomic context (GRCh38, chr15:45,110,438, plus strand): 5'-TTCTGCACCTTTCTTAGTGTGGTGCCCCTCTCTGCCAACCCCTCCCTCACCTCATGTAGA[C>A]ACCAGGGGGCACCATGGTAGAGAAGAACTGCTCAGAGGCCACCACAAATTCCGGGGAGAT-3'
Protein context (NP_001350640.1, residues 334-354): QFFSTMVPPG[Val344Phe]YMRNASCHFR

ClinVar aggregate classification (germline): Uncertain significance (1 of 4 stars; one submission).

Submission:

Labcorp Genetics (formerly Invitae), Labcorp
Classification: Uncertain significance. Last evaluated: 2022-08-21. Review status: criteria provided, single submitter. Criteria: Invitae Variant Classification Sherloc (09022015). Collection method: clinical testing. Allele origin: germline.
Comment: This sequence change replaces valine, which is neutral and non-polar, with phenylalanine, which is neutral and non-polar, at codon 344 of the DUOX2 protein (p.Val344Phe). This variant is not present in population databases (gnomAD no frequency). This variant has not been reported in the literature in individuals affected with DUOX2-related conditions. Algorithms developed to predict the effect of missense changes on protein structure and function are either unavailable or do not agree on the potential impact of this missense change (SIFT: "Deleterious"; PolyPhen-2: "Possibly Damaging"; Align-GVGD: "Class C0"). In summary, the available evidence is currently insufficient to determine the role of this variant in disease. Therefore, it has been classified as a Variant of Uncertain Significance.